The following is an entry in ClinVar:

NM_052845.4(MMAB):c.*656C>A

Gene: MMAB (metabolism of cobalamin associated B; minus strand). Cytogenetic location: 12q24.11.
Variant type: single nucleotide variant.
Coding change: c.*656C>A on transcript NM_052845.4 (MANE Select); 656 bases downstream of the stop codon, C replaced by A.
Molecular consequence: 3 prime UTR variant. On other transcripts: non-coding transcript variant (1).
Genome position (GRCh38, 1-based): chr12:109,556,372, G>T on the plus strand (C>A on the coding strand, the complement: MMAB is on the minus strand). VCF-style: chr12-109556372-G-T. GRCh37 (hg19) VCF-style: chr12-109994177-G-T.
Identifiers: ClinVar variation 307052 (VCV000307052.6), dbSNP rs11067232, ClinGen allele CA6778665.

ClinVar aggregate classification (germline): Benign. Review status: criteria provided, multiple submitters, no conflicts (2 of 4 stars). 2 submissions from 2 submitters: Benign (2). Last evaluated 2018-01-13.

Conditions:
Methylmalonic aciduria, cblB type (MACB). Also called: Vitamin B12-responsive methylmalonic acidemia type cblB; METHYLMALONIC ACIDURIA, VITAMIN B12-RESPONSIVE, DUE TO DEFECT IN SYNTHESIS OF ADENOSYLCOBALAMIN, cblB TYPE; Methylmalonic acidemia cblB type. Identifiers: Orphanet 28, Orphanet 79311, MedGen C1855102, MONDO:0009614, OMIM 251110.

Allele frequency attached by ClinVar (database versions not stated): gnomAD exomes 0.07150 and 0.07619; 1000 Genomes Project 30x 0.06168; TOPMed 0.06889; 1000 Genomes Project 0.06110; gnomAD 0.06631 and 0.06738; ExAC 0.10651.
gnomAD v4.1: 33,182 of 453,862 alleles (7.3%); highest among the groups gnomAD compares: Middle Eastern, 12%; 1,415 homozygotes.

Submissions (2):

Illumina Laboratory Services, Illumina
Classification: Benign for Methylmalonic aciduria, cblB type. Last evaluated: 2018-01-13. Review status: criteria provided, single submitter. Criteria: ICSL Variant Classification Criteria 13 December 2019. Collection method: clinical testing. Allele origin: germline.
Comment: This variant was observed in the ICSL laboratory as part of a predisposition screen in an ostensibly healthy population. It had not been previously curated by ICSL or reported in the Human Gene Mutation Database (HGMD: prior to June 1st, 2018), and was therefore a candidate for classification through an automated scoring system. Utilizing variant allele frequency, disease prevalence and penetrance estimates, and inheritance mode, an automated score was calculated to assess if this variant is too frequent to cause the disease. Based on the score and internal cut-off values, a variant classified as benign is not then subjected to further curation. The score for this variant resulted in a classification of benign for this disease.

Breakthrough Genomics
Classification: Benign. Review status: criteria provided, single submitter. Criteria: ACMG Guidelines, 2015. Collection method: not provided. Allele origin: germline. Inheritance: Autosomal recessive inheritance. Affected: yes.